The following is an entry in ClinVar:

NM_001289104.2(PRKCSH):c.1559C>T (p.Pro520Leu)

Gene: PRKCSH (PRKCSH beta subunit of glucosidase II; plus strand). Cytogenetic location: 19p13.2.
Variant type: single nucleotide variant.
Coding change: c.1559C>T on transcript NM_001289104.2 (MANE Select); coding-DNA position 1559, C replaced by T.
Protein change: p.Pro520Leu; replaces proline 520 with leucine.
Molecular consequence: missense variant.
Genome position (GRCh38, 1-based): chr19:11,449,363, C>T. VCF-style: chr19-11449363-C-T. GRCh37 (hg19) VCF-style: chr19-11560178-C-T.
Other names: c.1529C>T, p.Pro510Leu (NM_001001329.3, NM_001289102.2, NM_001379609.1); c.1559C>T, p.Pro520Leu (NM_001289103.2); c.1538C>T, p.Pro513Leu (NM_001379608.1, NM_002743.3); short protein forms P513L, P520L, P510L.
Identifiers: ClinVar variation 890307 (VCV000890307.36), dbSNP rs139214550, ClinGen allele CA9213366.

ClinVar aggregate classification (germline): Conflicting classifications of pathogenicity. Review status: criteria provided, conflicting classifications (1 of 4 stars). 5 submissions from 5 submitters: Uncertain significance (2); Benign (1); Likely benign (2). Last evaluated 2025-09-09.

Conditions:
Polycystic liver disease 1 (PCLD1). Also called: Polycystic liver disease 1 with or without kidney cysts. Identifiers: Orphanet 2924, MedGen C0887850, MONDO:0008265, OMIM 174050.
Inborn genetic diseases. Identifiers: MedGen C0950123, MeSH D030342.

Allele frequency attached by ClinVar (database versions not stated): 1000 Genomes Project 30x 0.00016; gnomAD 0.00017 and 0.00018; 1000 Genomes Project 0.00020; TOPMed 0.00020; gnomAD exomes 0.00022 and 0.00027; ESP Exome Variant Server 0.00023; ExAC 0.00024.
gnomAD v4.1: 421 of 1,613,406 alleles (0.026%); highest among the groups gnomAD compares: Non-Finnish European, 0.033%; no homozygotes.

Submissions (5):

Labcorp Genetics (formerly Invitae), Labcorp
Classification: Uncertain significance. Last evaluated: 2025-09-09. Review status: criteria provided, single submitter. Criteria: Invitae Variant Classification Sherloc (09022015). Collection method: clinical testing. Allele origin: germline.
Comment: This sequence change replaces proline, which is neutral and non-polar, with leucine, which is neutral and non-polar, at codon 513 of the PRKCSH protein (p.Pro513Leu). This variant is present in population databases (rs139214550, gnomAD 0.04%), and has an allele count higher than expected for a pathogenic variant. This variant has not been reported in the literature in individuals affected with PRKCSH-related conditions. ClinVar contains an entry for this variant (Variation ID: 890307). An algorithm developed to predict the effect of missense changes on protein structure and function outputs the following: PolyPhen-2: "Benign". The leucine amino acid residue is found in multiple mammalian species, which suggests that this missense change does not adversely affect protein function. In summary, the available evidence is currently insufficient to determine the role of this variant in disease. Therefore, it has been classified as a Variant of Uncertain Significance.

CeGaT Center for Human Genetics Tuebingen
Classification: Likely benign. Last evaluated: 2023-11-01. Review status: criteria provided, single submitter. Criteria: CeGaT Center For Human Genetics Tuebingen Variant Classification Criteria Version 2. Collection method: clinical testing. Allele origin: germline. Affected: yes. Observed: 1 variant allele.
Comment: PRKCSH: BP4

GeneDx
Classification: Uncertain significance. Last evaluated: 2023-04-21. Review status: criteria provided, single submitter. Criteria: GeneDx Variant Classification Process June 2021. Collection method: clinical testing. Allele origin: germline. Affected: yes.
Comment: In silico analysis supports that this missense variant does not alter protein structure/function; Has not been previously published as pathogenic or benign to our knowledge; This variant is associated with the following publications: (PMID: 27460824)

Ambry Genetics
Classification: Likely benign for Inborn genetic diseases. Last evaluated: 2022-09-27. Review status: criteria provided, single submitter. Criteria: Ambry Variant Classification Scheme 2023. Collection method: clinical testing. Allele origin: germline.

Illumina Laboratory Services, Illumina
Classification: Benign for Polycystic liver disease 1. Last evaluated: 2018-01-13. Review status: criteria provided, single submitter. Criteria: ICSL Variant Classification Criteria 13 December 2019. Collection method: clinical testing. Allele origin: germline.
Comment: This variant was observed in the ICSL laboratory as part of a predisposition screen in an ostensibly healthy population. It had not been previously curated by ICSL or reported in the Human Gene Mutation Database (HGMD: prior to June 1st, 2018), and was therefore a candidate for classification through an automated scoring system. Utilizing variant allele frequency, disease prevalence and penetrance estimates, and inheritance mode, an automated score was calculated to assess if this variant is too frequent to cause the disease. Based on the score and internal cut-off values, a variant classified as benign is not then subjected to further curation. The score for this variant resulted in a classification of benign for this disease.